The following is an entry in ClinVar:

ClinVar aggregate classification (germline): Uncertain significance (1 of 4 stars; one submission).

Conditions:
Congenital diarrhea 6. Identifiers: Orphanet 314373, MedGen C3553270, MONDO:0013825, OMIM 614616.

Submission:

Foundation for Research in Genetics and Endocrinology, FRIGE's Institute of Human Genetics
Classification: Uncertain significance for Congenital diarrhea 6. Last evaluated: 2024-06-12. Review status: criteria provided, single submitter. Criteria: ACMG Guidelines, 2015. Collection method: clinical testing. Allele origin: germline. Inheritance: Autosomal dominant inheritance. Affected: yes. Observed: 1 heterozygote.
Comment: A heterozygous missense variant in exon 11 of the GUCY2C gene that results in the amino acid substitution of Leucin for Valine at codon 449 was detected. The observed variant c.1345G>C (p.Val449Leu) has not been reported in the 1000 genomes and gnomAD databases. The in silico prediction of the variant is damaging by PolyPhen-2 MutationTaster2 and FATHMM. The reference codon is conserved across species. In summary, the variant meets our criteria to be classified as variant of uncertain significance.

NM_004963.4(GUCY2C):c.1345G>C (p.Val449Leu)

Gene: GUCY2C (guanylate cyclase 2C; minus strand). Cytogenetic location: 12p12.3.
Variant type: single nucleotide variant.
Coding change: c.1345G>C on transcript NM_004963.4 (MANE Select); coding-DNA position 1345, G replaced by C.
Protein change: p.Val449Leu; replaces valine 449 with leucine.
Molecular consequence: missense variant.
Genome position (GRCh38, 1-based): chr12:14,661,000, C>G on the plus strand (G>C on the coding strand, the complement: GUCY2C is on the minus strand). VCF-style: chr12-14661000-C-G. GRCh37 (hg19) VCF-style: chr12-14813934-C-G.
Other names: p.Val449Leu; short protein forms V449L.
Identifiers: ClinVar variation 3248563 (VCV003248563.2), dbSNP rs375918996.